The following is an entry in ClinVar:

ClinVar aggregate classification (germline): Benign/Likely benign. Review status: criteria provided, multiple submitters, no conflicts (2 of 4 stars). 2 submissions from 2 submitters: Benign (1); Likely benign (1). Last evaluated 2026-09-23.

Conditions:
Huntington disease (HD). Also called: Huntington's chorea; Huntington's disease; HUNTINGTON CHOREA. Identifiers: Orphanet 248111, Orphanet 399, MedGen C0020179, MONDO:0007739, OMIM 143100.

Submissions (2):

Department Of Human Genetics, Institute Of Clinical And Translational Research, Biomedical Research Center, Slovak Academy Of Sciences
Classification: Benign for Huntington disease. Last evaluated: 2026-09-23. Review status: criteria provided, single submitter. Criteria: ACMG Guidelines for Huntington disease, 2014. Collection method: research. Allele origin: germline. Inheritance: Autosomal dominant inheritance.
Comment: The NC_000004.12.g.3074878_3074940AGC[15]AAC[1]AGC[1] allele represents a complex trinucleotide repeat sequence in the HTT (huntingtin) gene. The repeat tract consists of 15 consecutive AGC repeats, followed by one AAC repeat and one additional AGC repeat. This sequence corresponds to 15 uninterrupted glutamine-encoding units or 17 interrupted glutamine-encoding repeat units (this count the AAC interruption and the additional AGC to the total number of repeats on the DNA level, while all resulting in glutamine residues at the protein level). Huntington disease (HD) is an autosomal dominant neurodegenerative disorder caused by an expansion of the CAG trinucleotide repeat in exon 1 of the HTT gene. HTT alleles containing 26 or fewer CAG repeats are considered within the normal range, whereas alleles containing 27–35 repeats are classified as intermediate/premutation, 36-39 repeats as reduced-penetrance pathogenic alleles, and 40 or more repeats as full-penetrance pathogenic alleles. This allele falls into the benign range both when considering the 15 uninterrupted as well as the 17 interrupted glutamine-encoding repeats. The allele reached 11.49% frequency in the general population of Slovakia (in 609 genotyped alleles).

Laboratory of Genetics, Children's Clinical University Hospital Latvia
Classification: Likely benign. Last evaluated: 2025-02-16. Review status: criteria provided, single submitter. Criteria: ACMG Guidelines, 2015. Collection method: clinical testing. Allele origin: germline. Affected: yes.

NM_001388492.1(HTT):c.54GCA[17] (p.Gln37_Gln38del)

Genes: HTT (huntingtin; plus strand), LOC109461479 (huntingtin repeat instability region; plus strand), LOC129929027 (ATAC-STARR-seq lymphoblastoid silent region 15199; plus strand). Cytogenetic location: 4p16.3.
Variant type: Microsatellite.
Coding change: c.54GCA[17] on transcript NM_001388492.1 (MANE Select); 17 copies in a row of the 3-base unit GCA starting at c.54.
Protein change: p.Gln37_Gln38del.
Genome position: GRCh38 VCF-style: chr4-3074876-CCAGCAGCAGCAG-C. GRCh37 (hg19) VCF-style: chr4-3076603-CCAGCAGCAGCAG-C.
Other names: c.54GCA[17], p.Gln37_Gln40del (NM_002111.8).
Identifiers: ClinVar variation 3910359 (VCV003910359.2).